The following is an entry in ClinVar:

ClinVar aggregate classification (germline): Uncertain significance (1 of 4 stars; one submission).

Conditions:
Pheochromocytoma/paraganglioma syndrome 5. Also called: Paragangliomas 5; SDHA-Related Hereditary Paraganglioma-Pheochromocytoma Syndrome. Identifiers: Orphanet 29072, MedGen C3279992, MONDO:0013602, OMIM 614165.
Mitochondrial complex II deficiency, nuclear type 1. Also called: SUCCINATE CoQ REDUCTASE DEFICIENCY. Identifiers: Orphanet 3208, MedGen C5700310, MONDO:0100294, OMIM 252011.

Submission:

Labcorp Genetics (formerly Invitae), Labcorp
Classification: Uncertain significance for Pheochromocytoma/paraganglioma syndrome 5; Mitochondrial complex II deficiency, nuclear type 1. Last evaluated: 2018-10-30. Review status: criteria provided, single submitter. Criteria: Invitae Variant Classification Sherloc (09022015). Collection method: clinical testing. Allele origin: germline.
Comment: This sequence change replaces tyrosine with asparagine at codon 629 of the SDHA protein (p.Tyr629Asn). The tyrosine residue is moderately conserved and there is a large physicochemical difference between tyrosine and asparagine. This variant is not present in population databases (ExAC no frequency). This variant has not been reported in the literature in individuals with SDHA-related disease. Algorithms developed to predict the effect of missense changes on protein structure and function are either unavailable or do not agree on the potential impact of this missense change (SIFT: "Tolerated"; PolyPhen-2: "Benign"; Align-GVGD: "Class C0"). In summary, the available evidence is currently insufficient to determine the role of this variant in disease. Therefore, it has been classified as a Variant of Uncertain Significance.

NM_004168.4(SDHA):c.1885T>A (p.Tyr629Asn)

Gene: SDHA (succinate dehydrogenase complex flavoprotein subunit A; plus strand). Cytogenetic location: 5p15.33.
Variant type: single nucleotide variant.
Coding change: c.1885T>A on transcript NM_004168.4 (MANE Select); coding-DNA position 1885, T replaced by A.
Protein change: p.Tyr629Asn; replaces tyrosine 629 with asparagine.
Molecular consequence: missense variant.
Genome position (GRCh38, 1-based): chr5:254,483, T>A. VCF-style: chr5-254483-T-A. GRCh37 (hg19) VCF-style: chr5-254598-T-A.
Other names: c.1741T>A, p.Tyr581Asn (NM_001294332.2); c.1642T>A, p.Tyr548Asn (NM_001330758.2); short protein forms Y629N, Y581N, Y548N.
Identifiers: ClinVar variation 662274 (VCV000662274.9), dbSNP rs1579445293, ClinGen allele CA359002156.